The following is an entry in ClinVar:

ClinVar aggregate classification (germline): Uncertain significance (1 of 4 stars; one submission).

Submission:

Labcorp Genetics (formerly Invitae), Labcorp
Classification: Uncertain significance. Last evaluated: 2021-05-12. Review status: criteria provided, single submitter. Criteria: Invitae Variant Classification Sherloc (09022015). Collection method: clinical testing. Allele origin: germline.
Comment: In summary, the available evidence is currently insufficient to determine the role of this variant in disease. Therefore, it has been classified as a Variant of Uncertain Significance. Algorithms developed to predict the effect of missense changes on protein structure and function are either unavailable or do not agree on the potential impact of this missense change (SIFT: "Not Available"; PolyPhen-2: "Possibly Damaging"; Align-GVGD: "Not Available"). This variant has not been reported in the literature in individuals with CA4-related conditions. This variant is not present in population databases (ExAC no frequency). This sequence change replaces threonine with alanine at codon 58 of the CA4 protein (p.Thr58Ala). The threonine residue is moderately conserved and there is a small physicochemical difference between threonine and alanine.

NM_000717.5(CA4):c.172A>G (p.Thr58Ala)

Gene: CA4 (carbonic anhydrase 4; plus strand). Cytogenetic location: 17q23.1.
Variant type: single nucleotide variant.
Coding change: c.172A>G on transcript NM_000717.5 (MANE Select); coding-DNA position 172, A replaced by G.
Protein change: p.Thr58Ala; replaces threonine 58 with alanine.
Molecular consequence: missense variant. On other transcripts: non-coding transcript variant (1).
Genome position (GRCh38, 1-based): chr17:60,156,619, A>G. VCF-style: chr17-60156619-A-G. GRCh37 (hg19) VCF-style: chr17-58233980-A-G.
Other names: short protein forms T58A.
Identifiers: ClinVar variation 1495489 (VCV001495489.6), dbSNP rs1183228586, ClinGen allele CA400453345.
Genomic context (GRCh38, chr17:60,156,619, plus strand): 5'-GTGCCAGTCAAGTGGGGTGGAAACTGCCAGAAGGACCGCCAGTCCCCCATCAACATCGTC[A>G]CCACCAAGGCAAAGGTGGACAAAAAACTGGGACGCTTCTTCTTCTCTGGCTACGATAAGA-3'
Protein context (NP_000708.1, residues 48-68): KDRQSPINIV[Thr58Ala]TKAKVDKKLG